The following is an entry in ClinVar:

NM_014855.3(AP5Z1):c.589G>A (p.Gly197Ser)

Gene: AP5Z1 (adaptor related protein complex 5 subunit zeta 1; plus strand). Cytogenetic location: 7p22.1.
Variant type: single nucleotide variant.
Coding change: c.589G>A on transcript NM_014855.3 (MANE Select); coding-DNA position 589, G replaced by A.
Protein change: p.Gly197Ser; replaces glycine 197 with serine.
Molecular consequence: missense variant. On other transcripts: non-coding transcript variant (1).
Genome position (GRCh38, 1-based): chr7:4,783,766, G>A. VCF-style: chr7-4783766-G-A. GRCh37 (hg19) VCF-style: chr7-4823397-G-A.
Other names: c.121G>A, p.Gly41Ser (NM_001364858.1); short protein forms G197S, G41S.
Identifiers: ClinVar variation 910688 (VCV000910688.10), dbSNP rs746939195, ClinGen allele CA4137270.

ClinVar aggregate classification (germline): Uncertain significance. Review status: criteria provided, multiple submitters, no conflicts (2 of 4 stars). 2 submissions from 2 submitters: Uncertain significance (2). Last evaluated 2020-11-12.

Conditions:
Hereditary spastic paraplegia 48. Also called: Spastic paraplegia 48; SPASTIC PARAPLEGIA 48, AUTOSOMAL RECESSIVE. Identifiers: Orphanet 306511, MedGen C3150901, MONDO:0013342, OMIM 613647.

Allele frequency attached by ClinVar (database versions not stated): ExAC below 0.00001; gnomAD exomes 0.00001; gnomAD 0.00002; TOPMed 0.00002.
gnomAD v4.1: 31 of 1,550,286 alleles (0.002%); highest among the groups gnomAD compares: Middle Eastern, 0.017%; no homozygotes.

Submissions (2):

Labcorp Genetics (formerly Invitae), Labcorp
Classification: Uncertain significance for Hereditary spastic paraplegia 48. Last evaluated: 2020-11-12. Review status: criteria provided, single submitter. Criteria: Invitae Variant Classification Sherloc (09022015). Collection method: clinical testing. Allele origin: germline.
Comment: Algorithms developed to predict the effect of missense changes on protein structure and function output the following: SIFT: "Deleterious"; PolyPhen-2: "Benign"; Align-GVGD: "Class C55". The serine amino acid residue is found in multiple mammalian species, suggesting that this missense change does not adversely affect protein function. These predictions have not been confirmed by published functional studies and their clinical significance is uncertain. This sequence change replaces glycine with serine at codon 197 of the AP5Z1 protein (p.Gly197Ser). The glycine residue is highly conserved and there is a small physicochemical difference between glycine and serine. The frequency data for this variant in the population databases is considered unreliable, as metrics indicate poor data quality at this position in the ExAC database. This variant has not been reported in the literature in individuals with AP5Z1-related conditions. ClinVar contains an entry for this variant (Variation ID: 910688). Algorithms developed to predict the effect of sequence changes on RNA splicing suggest that this variant may create or strengthen a splice site, but this prediction has not been confirmed by published transcriptional studies. In summary, the available evidence is currently insufficient to determine the role of this variant in disease. Therefore, it has been classified as a Variant of Uncertain Significance.

Illumina Laboratory Services, Illumina
Classification: Uncertain significance for Hereditary spastic paraplegia 48. Last evaluated: 2017-04-27. Review status: criteria provided, single submitter. Criteria: ICSL Variant Classification Criteria 13 December 2019. Collection method: clinical testing. Allele origin: germline.